The following is an entry in ClinVar:

ClinVar aggregate classification (germline): Pathogenic (1 of 4 stars; one submission).

Conditions:
Loeys-Dietz syndrome 4 (LDS4). Also called: ANEURYSM, AORTIC AND CEREBRAL, WITH ARTERIAL TORTUOSITY AND SKELETAL MANIFESTATIONS; TGFB2-Related Loeys-Dietz Syndrome. Identifiers: MedGen C3553762, MONDO:0013897, OMIM 614816.

Submission:

Labcorp Genetics (formerly Invitae), Labcorp
Classification: Pathogenic for Loeys-Dietz syndrome 4. Last evaluated: 2025-01-15. Review status: criteria provided, single submitter. Criteria: Invitae Variant Classification Sherloc (09022015). Collection method: clinical testing. Allele origin: germline.
Comment: This sequence change creates a premature translational stop signal (p.Trp354*) in the TGFB2 gene. While this is not anticipated to result in nonsense mediated decay, it is expected to disrupt the last 61 amino acid(s) of the TGFB2 protein. This variant is not present in population databases (gnomAD no frequency). This variant has not been reported in the literature in individuals affected with TGFB2-related conditions. ClinVar contains an entry for this variant (Variation ID: 576624). Experimental studies and prediction algorithms are not available or were not evaluated, and the functional significance of this variant is currently unknown. This variant disrupts a region of the TGFB2 protein in which other variant(s) (p.Ser389Lysfs*8) have been determined to be pathogenic (PMID: 24193348). This suggests that this is a clinically significant region of the protein, and that variants that disrupt it are likely to be disease-causing. For these reasons, this variant has been classified as Pathogenic.

Literature cited by the submitters: PubMed 24193348.

NM_003238.6(TGFB2):c.1062G>A (p.Trp354Ter)

Gene: TGFB2 (transforming growth factor beta 2; plus strand). Cytogenetic location: 1q41.
Variant type: single nucleotide variant.
Coding change: c.1062G>A on transcript NM_003238.6 (MANE Select); coding-DNA position 1062, G replaced by A.
Protein change: p.Trp354Ter; replaces tryptophan 354 with a stop codon.
Molecular consequence: nonsense. On other transcripts: non-coding transcript variant (2).
Genome position (GRCh38, 1-based): chr1:218,437,472, G>A. VCF-style: chr1-218437472-G-A. GRCh37 (hg19) VCF-style: chr1-218610814-G-A.
Other names: c.1146G>A, p.Trp382Ter (NM_001135599.4); short protein forms W354*, W382*.
Identifiers: ClinVar variation 576624 (VCV000576624.11), dbSNP rs1558264130, ClinGen allele CA344727678.
Genomic context (GRCh38, chr1:218,437,472, plus strand): 5'-GATACACGAACCCAAAGGGTACAATGCCAACTTCTGTGCTGGAGCATGCCCGTATTTATG[G>A]AGTTCAGACACTCAGCACAGCAGGGTGAGTGTTCAGCTTACCTGTTGCCTCTGTTCTTGG-3'